The following is an entry in ClinVar:

NM_015295.3(SMCHD1):c.2881A>G (p.Thr961Ala)

Gene: SMCHD1 (structural maintenance of chromosomes flexible hinge domain containing 1; plus strand). Cytogenetic location: 18p11.32.
Variant type: single nucleotide variant.
Coding change: c.2881A>G on transcript NM_015295.3 (MANE Select); coding-DNA position 2881, A replaced by G.
Protein change: p.Thr961Ala; replaces threonine 961 with alanine.
Molecular consequence: missense variant.
Genome position (GRCh38, 1-based): chr18:2,728,564, A>G. VCF-style: chr18-2728564-A-G. GRCh37 (hg19) VCF-style: chr18-2728562-A-G.
Other names: short protein forms T961A.
Identifiers: ClinVar variation 2122825 (VCV002122825.4), dbSNP rs2075070106, ClinGen allele CA401683476.

ClinVar aggregate classification (germline): Uncertain significance (1 of 4 stars; one submission).

Conditions:
Facioscapulohumeral muscular dystrophy 2 (FSHD2). Also called: FACIOSCAPULOHUMERAL MUSCULAR DYSTROPHY 2, DIGENIC; FSHD2, DIGENIC; MUSCULAR DYSTROPHY, FACIOSCAPULOHUMERAL, TYPE 1B. Identifiers: Orphanet 269, MedGen C1834671, MONDO:0008031, OMIM 158901.

Allele frequency attached by ClinVar (database versions not stated): gnomAD exomes below 0.00001; TOPMed below 0.00001.
gnomAD v4.1: 2 of 1,613,098 alleles (0.00012%); highest among the groups gnomAD compares: Admixed American, 0.0033%; no homozygotes.

Submission:

Labcorp Genetics (formerly Invitae), Labcorp
Classification: Uncertain significance for Facioscapulohumeral muscular dystrophy 2. Last evaluated: 2022-04-08. Review status: criteria provided, single submitter. Criteria: Invitae Variant Classification Sherloc (09022015). Collection method: clinical testing. Allele origin: germline.
Comment: This variant has not been reported in the literature in individuals affected with SMCHD1-related conditions. This variant is not present in population databases (gnomAD no frequency). This sequence change replaces threonine, which is neutral and polar, with alanine, which is neutral and non-polar, at codon 961 of the SMCHD1 protein (p.Thr961Ala). Algorithms developed to predict the effect of missense changes on protein structure and function (SIFT, PolyPhen-2, Align-GVGD) all suggest that this variant is likely to be disruptive. In summary, the available evidence is currently insufficient to determine the role of this variant in disease. Therefore, it has been classified as a Variant of Uncertain Significance.